The following is an entry in ClinVar:

NM_000051.4(ATM):c.4879del (p.Gln1627fs)

Gene: ATM (ATM serine/threonine kinase; plus strand). Cytogenetic location: 11q22.3.
Variant type: Deletion.
Coding change: c.4879del on transcript NM_000051.4 (MANE Select); coding-DNA position 4879, one base deleted (C; older notation c.4879delC).
Protein change: p.Gln1627fs; shifts the reading frame from glutamine 1627.
Molecular consequence: frameshift variant.
Genome position (GRCh38, 1-based): chr11:108,295,029, C deleted. VCF-style (leftmost placement, unchanged base first): chr11-108295028-TC-T. GRCh37 (hg19) VCF-style: chr11-108165755-TC-T.
Other names: c.4879delC (NM_000051.3); c.4879del, p.Gln1627fs (NM_001351834.2); short protein forms Q1627fs.
Identifiers: ClinVar variation 1692754 (VCV001692754.7), dbSNP rs2135837254, ClinGen allele CA2573146734.

ClinVar aggregate classification (germline): Pathogenic/Likely pathogenic. Review status: criteria provided, multiple submitters, no conflicts (2 of 4 stars). 4 submissions from 4 submitters: Pathogenic (2); Likely pathogenic (2). Last evaluated 2023-01-17.

Conditions:
Ataxia-telangiectasia syndrome (AT). Also called: Ataxia telangiectasia (A-T); Ataxia-telangiectasia, complementation group D; ATAXIA-TELANGIECTASIA, COMPLEMENTATION GROUP A; ATAXIA-TELANGIECTASIA, FRESNO VARIANT; Cerebello-oculocutaneous telangiectasia; Immunodeficiency with ataxia telangiectasia. Identifiers: Orphanet 100, MedGen C0004135, MONDO:0008840, OMIM 208900.
Familial cancer of breast. Also called: Hereditary breast cancer; BREAST CANCER, FAMILIAL; hereditary breast carcinoma. Identifiers: Orphanet 227535, MedGen C0346153, MONDO:0016419, OMIM 114480. Disease mechanism: loss of function.
Hereditary cancer-predisposing syndrome. Also called: Neoplastic Syndromes, Hereditary; Hereditary Cancer Syndrome; Tumor predisposition; Hereditary neoplastic syndrome. Identifiers: Orphanet 140162, MedGen C0027672, MeSH D009386, MONDO:0015356.

Submissions (4):

Labcorp Genetics (formerly Invitae), Labcorp
Classification: Pathogenic for Ataxia-telangiectasia syndrome. Last evaluated: 2023-01-17. Review status: criteria provided, single submitter. Criteria: Invitae Variant Classification Sherloc (09022015). Collection method: clinical testing. Allele origin: germline.
Comment: ClinVar contains an entry for this variant (Variation ID: 1692754). This variant has not been reported in the literature in individuals affected with ATM-related conditions. This variant is not present in population databases (gnomAD no frequency). This sequence change creates a premature translational stop signal (p.Gln1627Argfs*6) in the ATM gene. It is expected to result in an absent or disrupted protein product. Loss-of-function variants in ATM are known to be pathogenic (PMID: 23807571, 25614872). Algorithms developed to predict the effect of sequence changes on RNA splicing suggest that this variant may disrupt the consensus splice site. For these reasons, this variant has been classified as Pathogenic.

Ambry Genetics
Classification: Pathogenic for Hereditary cancer-predisposing syndrome. Last evaluated: 2022-03-02. Review status: criteria provided, single submitter. Criteria: Ambry Variant Classification Scheme 2023. Collection method: clinical testing. Allele origin: germline.
Comment: The c.4879delC pathogenic mutation, located in coding exon 31 of the ATM gene, results from a deletion of one nucleotide at nucleotide position 4879, causing a translational frameshift with a predicted alternate stop codon (p.Q1627Rfs*6). This variant is considered to be rare based on population cohorts in the Genome Aggregation Database (gnomAD). This alteration is expected to result in loss of function by premature protein truncation or nonsense-mediated mRNA decay. As such, this alteration is interpreted as a disease-causing mutation.

Fulgent Genetics
Classification: Likely pathogenic for Familial cancer of breast; Ataxia-telangiectasia syndrome. Last evaluated: 2021-10-28. Review status: criteria provided, single submitter. Criteria: ACMG Guidelines, 2015. Collection method: clinical testing. Allele origin: unknown.

Sema4
Classification: Likely pathogenic for Hereditary cancer-predisposing syndrome. Last evaluated: 2021-07-30. Review status: criteria provided, single submitter. Criteria: Sema4 Curation Guidelines. Collection method: curation. Allele origin: germline.
Comment: The ATM c.4879delC (p.Q1627RfsX6) variant has not been reported in the literature to our knowledge. This variant causes a frameshift at amino acid 1627 that results in premature termination 6 amino acids downstream. Loss of function variants in ATM are known to be pathogenic (PMID: 31050087). This variant is not reported in the Genome Aggregation Database (PMID: 32461654). This variant has not been reported in ClinVar. Based on the current evidence available, this variant is interpreted as likely pathogenic.

Literature cited by the submitters: PubMed 23807571 (cited by Labcorp Genetics (formerly Invitae), Labcorp); PubMed 25614872 (cited by Labcorp Genetics (formerly Invitae), Labcorp); PubMed 31050087 (cited by Sema4).